The following is an entry in ClinVar:

ClinVar aggregate classification (germline): Uncertain significance (1 of 4 stars; one submission).

Submission:

Labcorp Genetics (formerly Invitae), Labcorp
Classification: Uncertain significance. Last evaluated: 2022-09-22. Review status: criteria provided, single submitter. Criteria: Invitae Variant Classification Sherloc (09022015). Collection method: clinical testing. Allele origin: germline.
Comment: This sequence change replaces proline, which is neutral and non-polar, with threonine, which is neutral and polar, at codon 430 of the SIX5 protein (p.Pro430Thr). Information on the frequency of this variant in the gnomAD database is not available, as this variant may be reported differently in the database. This variant has not been reported in the literature in individuals affected with SIX5-related conditions. Experimental studies and prediction algorithms are not available or were not evaluated, and the functional significance of this variant is currently unknown. In summary, the available evidence is currently insufficient to determine the role of this variant in disease. Therefore, it has been classified as a Variant of Uncertain Significance.

NM_175875.5(SIX5):c.1287_1288delinsTA (p.Pro430Thr)

Gene: SIX5 (SIX homeobox 5; minus strand). Cytogenetic location: 19q13.32.
Variant type: Indel.
Coding change: c.1287_1288delinsTA on transcript NM_175875.5 (MANE Select); coding-DNA positions 1287 to 1288, GC replaced by TA.
Protein change: p.Pro430Thr; replaces proline 430 with threonine.
Molecular consequence: missense variant.
Genome position (GRCh38, 1-based): chr19:45,766,671-45,766,672, GC replaced by TA on the plus strand (GC replaced by TA on the coding strand, the reverse complement: SIX5 is on the minus strand). VCF-style: chr19-45766671-GC-TA. GRCh37 (hg19) VCF-style: chr19-46269929-GC-TA.
Other names: short protein forms P430T.
Identifiers: ClinVar variation 1903709 (VCV001903709.5), dbSNP rs2513600737, ClinGen allele CA2580097413.